The following is an entry in ClinVar:

NM_000466.3(PEX1):c.2417-1G>T

Gene: PEX1 (peroxisomal biogenesis factor 1; minus strand). Cytogenetic location: 7q21.2.
Variant type: single nucleotide variant.
Coding change: c.2417-1G>T on transcript NM_000466.3 (MANE Select); the canonical splice acceptor site of the intron before coding-DNA position 2417, G replaced by T.
Molecular consequence: splice acceptor variant.
Genome position (GRCh38, 1-based): chr7:92,501,674, C>A on the plus strand (G>T on the coding strand, the complement: PEX1 is on the minus strand). VCF-style: chr7-92501674-C-A. GRCh37 (hg19) VCF-style: chr7-92130988-C-A.
Other names: c.2246-1G>T (NM_001282677.2); c.1793-1G>T (NM_001282678.2).
Identifiers: ClinVar variation 2967456 (VCV002967456.3), dbSNP rs1365047750, ClinGen allele CA368176649.

ClinVar aggregate classification (germline): Likely pathogenic (1 of 4 stars; one submission).

Conditions:
Zellweger spectrum disorders (ZS). Also called: Zellweger Spectrum Disorder; Zellweger Spectrum; Zellweger syndrome; Zellweger Spectrum Disorder (ZSD). Identifiers: Orphanet 912, MedGen C0043459, MONDO:0019609.

gnomAD v4.1: 6 of 1,611,350 alleles (0.00037%); highest among the groups gnomAD compares: Non-Finnish European, 0.00051%; no homozygotes.

Submission:

Labcorp Genetics (formerly Invitae), Labcorp
Classification: Likely pathogenic for Zellweger spectrum disorders. Last evaluated: 2023-01-16. Review status: criteria provided, single submitter. Criteria: Invitae Variant Classification Sherloc (09022015). Collection method: clinical testing. Allele origin: germline.
Comment: In summary, the currently available evidence indicates that the variant is pathogenic, but additional data are needed to prove that conclusively. Therefore, this variant has been classified as Likely Pathogenic. Algorithms developed to predict the effect of sequence changes on RNA splicing suggest that this variant may disrupt the consensus splice site. This variant has not been reported in the literature in individuals affected with PEX1-related conditions. The frequency data for this variant in the population databases is considered unreliable, as metrics indicate poor data quality at this position in the gnomAD database. This sequence change affects an acceptor splice site in intron 14 of the PEX1 gene. It is expected to disrupt RNA splicing. Variants that disrupt the donor or acceptor splice site typically lead to a loss of protein function (PMID: 16199547), and loss-of-function variants in PEX1 are known to be pathogenic (PMID: 9398847, 16086329, 16141001, 21031596, 26387595, 31831025).

Literature cited by the submitters: PubMed 16199547; PubMed 9398847; PubMed 16086329; PubMed 16141001; PubMed 21031596; PubMed 26387595; PubMed 31831025.